The following is an entry in ClinVar:

ClinVar aggregate classification (germline): Uncertain significance (1 of 4 stars; one submission).

Submission:

Women's Health and Genetics/Laboratory Corporation of America, LabCorp
Classification: Uncertain significance. Last evaluated: 2024-07-19. Review status: criteria provided, single submitter. Criteria: LabCorp Variant Classification Summary - May 2015. Collection method: clinical testing. Allele origin: germline.
Comment: Variant summary: ABCC8 c.4076C>G (p.Pro1359Arg) results in a non-conservative amino acid change located in the second transmembrane domain (IPR011527) of the encoded protein sequence. Five of five in-silico tools predict a damaging effect of the variant on protein function. The variant was absent in 251426 control chromosomes (gnomAD). The available data on variant occurrences in the general population are insufficient to allow any conclusion about variant significance. c.4076C>G has been reported in the literature in individual(s) affected with congenital hyperinsulinism (Verheul_2011). These data do not allow clear conclusions about variant significance. To our knowledge, no experimental evidence demonstrating an impact on protein function has been reported. However, a different missense affecting the same amino acid (p.P1359L) is reported in individuals affected with hyperinsulinism (HGMD), suggesting that this residue might be important for protein function. The following publication have been ascertained in the context of this evaluation (PMID: 21835061). No submitters have cited clinical-significance assessments for this variant to ClinVar. Based on the evidence outlined above, the variant was classified as uncertain significance.

Literature cited by the submitters: PubMed 21835061.

NM_000352.6(ABCC8):c.4076C>G (p.Pro1359Arg)

Gene: ABCC8 (ATP binding cassette subfamily C member 8; minus strand). Cytogenetic location: 11p15.1.
Variant type: single nucleotide variant.
Coding change: c.4076C>G on transcript NM_000352.6 (MANE Select); coding-DNA position 4076, C replaced by G.
Protein change: p.Pro1359Arg; replaces proline 1359 with arginine.
Molecular consequence: missense variant. On other transcripts: non-coding transcript variant (1).
Genome position (GRCh38, 1-based): chr11:17,396,959, G>C on the plus strand (C>G on the coding strand, the complement: ABCC8 is on the minus strand). VCF-style: chr11-17396959-G-C. GRCh37 (hg19) VCF-style: chr11-17418506-G-C.
Other names: c.4079C>G, p.Pro1360Arg (NM_001287174.3); c.4142C>G, p.Pro1381Arg (NM_001351295.2); c.4076C>G, p.Pro1359Arg (NM_001351296.2); c.4073C>G, p.Pro1358Arg (NM_001351297.2); short protein forms P1358R, P1359R, P1360R, P1381R.
Identifiers: ClinVar variation 3339440 (VCV003339440.1).